The following is an entry in ClinVar:

ClinVar aggregate classification (germline): Uncertain significance (1 of 4 stars; one submission).

Conditions:
Hereditary cancer-predisposing syndrome. Also called: Neoplastic Syndromes, Hereditary; Tumor predisposition; Hereditary Cancer Syndrome; Hereditary neoplastic syndrome. Identifiers: Orphanet 140162, MedGen C0027672, MeSH D009386, MONDO:0015356.

Submission:

Ambry Genetics
Classification: Uncertain significance for Hereditary cancer-predisposing syndrome. Last evaluated: 2026-04-13. Review status: criteria provided, single submitter. Criteria: Ambry Variant Classification Scheme 2023. Collection method: clinical testing. Allele origin: germline.
Comment: The p.A563G variant (also known as c.1688C>G), located in coding exon 12 of the PTCH1 gene, results from a C to G substitution at nucleotide position 1688. The alanine at codon 563 is replaced by glycine, an amino acid with similar properties. This amino acid position is highly conserved in available vertebrate species. In addition, this alteration is predicted to be deleterious by in silico analysis. Based on the available evidence, the clinical significance of this variant remains unclear.

NM_000264.5(PTCH1):c.1688C>G (p.Ala563Gly)

Gene: PTCH1 (patched 1; minus strand). Cytogenetic location: 9q22.32.
Variant type: single nucleotide variant.
Coding change: c.1688C>G on transcript NM_000264.5 (MANE Select); coding-DNA position 1688, C replaced by G.
Protein change: p.Ala563Gly; replaces alanine 563 with glycine.
Molecular consequence: missense variant. On other transcripts: non-coding transcript variant (1).
Genome position (GRCh38, 1-based): chr9:95,476,074, G>C on the plus strand (C>G on the coding strand, the complement: PTCH1 is on the minus strand). VCF-style: chr9-95476074-G-C. GRCh37 (hg19) VCF-style: chr9-98238356-G-C.
Other names: c.1490C>G, p.Ala497Gly (NM_001083602.3); c.1685C>G, p.Ala562Gly (NM_001083603.3); c.1235C>G, p.Ala412Gly (NM_001083604.3, NM_001083605.3, NM_001083606.3 and 1 more transcripts); c.1532C>G, p.Ala511Gly (NM_001354918.2); short protein forms A412G, A497G, A511G, A562G, A563G.
Identifiers: ClinVar variation 4862669 (VCV004862669.1).